The following is an entry in ClinVar:

ClinVar aggregate classification (germline): Conflicting classifications of pathogenicity. Review status: criteria provided, conflicting classifications (1 of 4 stars). 4 submissions from 4 submitters: Likely pathogenic (1); Uncertain significance (3). Last evaluated 2024-06-26.

Conditions:
Charcot-Marie-Tooth disease. Also called: Charcot-Marie-Tooth Hereditary Neuropathy; Charcot-Marie-Tooth Neuropathy. Identifiers: Orphanet 166, MedGen C0007959, MONDO:0015626.
Inborn genetic diseases. Identifiers: MedGen C0950123, MeSH D030342.

gnomAD v4.1: 2 of 1,614,164 alleles (0.00012%); highest among the groups gnomAD compares: Non-Finnish European, 0.000085%; no homozygotes.

Submissions (4):

Women's Health and Genetics/Laboratory Corporation of America, LabCorp
Classification: Uncertain significance. Last evaluated: 2024-06-26. Review status: criteria provided, single submitter. Criteria: LabCorp Variant Classification Summary - May 2015. Collection method: clinical testing. Allele origin: germline.
Comment: Variant summary: IGHMBP2 c.1807C>G (p.Arg603Gly) results in a non-conservative amino acid change located in the DNA2/NAM7 helicase-like, C-terminal domain (IPR041679) of the encoded protein sequence. Five of five in-silico tools predict a damaging effect of the variant on protein function. The variant allele was found at a frequency of 4e-06 in 251166 control chromosomes. The available data on variant occurrences in the general population are insufficient to allow any conclusion about variant significance. To our knowledge, no occurrence of c.1807C>G in individuals affected with Charcot-Marie-Tooth Disease, Axonal, Type 2S and no experimental evidence demonstrating its impact on protein function have been reported. ClinVar contains an entry for this variant (Variation ID: 917013). Based on the evidence outlined above, the variant was classified as uncertain significance.

Ambry Genetics
Classification: Uncertain significance for Inborn genetic diseases. Last evaluated: 2023-12-27. Review status: criteria provided, single submitter. Criteria: Ambry Variant Classification Scheme 2023. Collection method: clinical testing. Allele origin: germline.

GeneDx
Classification: Likely pathogenic. Last evaluated: 2022-11-10. Review status: criteria provided, single submitter. Criteria: GeneDx Variant Classification Process June 2021. Collection method: clinical testing. Allele origin: germline. Affected: yes.
Comment: Observed in an individual with suspected Charcot Marie Tooth disease in published literature; however, no further clinical or segregation information was provided (Volodarsky et al., 2021); Not observed at significant frequency in large population cohorts (gnomAD); In silico analysis supports that this missense variant has a deleterious effect on protein structure/function; This variant is associated with the following publications: (PMID: 24388491, 25439726, 22965130, 32376792, 15108294)

Molecular Genetics Laboratory, London Health Sciences Centre
Classification: Uncertain significance for Charcot-Marie-Tooth disease. Review status: criteria provided, single submitter. Criteria: ACMG Guidelines, 2015. Collection method: clinical testing. Allele origin: germline. Affected: yes.

Literature cited by the submitters: PubMed 32376792 (cited by Ambry Genetics).

NM_002180.3(IGHMBP2):c.1807C>G (p.Arg603Gly)

Gene: IGHMBP2 (immunoglobulin mu DNA binding protein 2; plus strand). Cytogenetic location: 11q13.3.
Variant type: single nucleotide variant.
Coding change: c.1807C>G on transcript NM_002180.3 (MANE Select); coding-DNA position 1807, C replaced by G.
Protein change: p.Arg603Gly; replaces arginine 603 with glycine.
Molecular consequence: missense variant.
Genome position (GRCh38, 1-based): chr11:68,936,287, C>G. VCF-style: chr11-68936287-C-G. GRCh37 (hg19) VCF-style: chr11-68703755-C-G.
Other names: short protein forms R603G.
Identifiers: ClinVar variation 917013 (VCV000917013.4), dbSNP rs1465803265, ClinGen allele CA381651583.